The following is an entry in ClinVar:

ClinVar aggregate classification (germline): Uncertain significance (1 of 4 stars; one submission).

Allele frequency attached by ClinVar (database versions not stated): gnomAD exomes below 0.00001; ExAC 0.00002.
gnomAD v4.1: 3 of 1,608,068 alleles (0.00019%); highest among the groups gnomAD compares: South Asian, 0.0022%; no homozygotes.

Submission:

Labcorp Genetics (formerly Invitae), Labcorp
Classification: Uncertain significance. Last evaluated: 2024-01-15. Review status: criteria provided, single submitter. Criteria: Invitae Variant Classification Sherloc (09022015). Collection method: clinical testing. Allele origin: germline.
Comment: This sequence change falls in intron 23 of the ITGAM gene. It does not directly change the encoded amino acid sequence of the ITGAM protein. It affects a nucleotide within the consensus splice site. This variant is present in population databases (rs748936897, gnomAD 0.007%). This variant has not been reported in the literature in individuals affected with ITGAM-related conditions. Variants that disrupt the consensus splice site are a relatively common cause of aberrant splicing (PMID: 17576681, 9536098). Algorithms developed to predict the effect of sequence changes on RNA splicing suggest that this variant is not likely to affect RNA splicing. In summary, the available evidence is currently insufficient to determine the role of this variant in disease. Therefore, it has been classified as a Variant of Uncertain Significance.

Literature cited by the submitters: PubMed 17576681; PubMed 9536098.

NM_000632.4(ITGAM):c.2793-3C>T

Gene: ITGAM (integrin subunit alpha M; plus strand). Cytogenetic location: 16p11.2.
Variant type: single nucleotide variant.
Coding change: c.2793-3C>T on transcript NM_000632.4 (MANE Select); 3 bases into the intron before coding-DNA position 2793, C replaced by T.
Molecular consequence: intron variant.
Genome position (GRCh38, 1-based): chr16:31,329,225, C>T. VCF-style: chr16-31329225-C-T. GRCh37 (hg19) VCF-style: chr16-31340546-C-T.
Other names: c.2796-3C>T (NM_001145808.2).
Identifiers: ClinVar variation 2969170 (VCV002969170.3), dbSNP rs748936897, ClinGen allele CA8025982.